The following is an entry in ClinVar:

NM_000334.4(SCN4A):c.2722G>A (p.Glu908Lys)

Genes: GH-LCR (growth hormone locus control region; plus strand), SCN4A (sodium voltage-gated channel alpha subunit 4; minus strand). Cytogenetic location: 17q23.3.
Variant type: single nucleotide variant.
Coding change: c.2722G>A on transcript NM_000334.4 (MANE Select); coding-DNA position 2722, G replaced by A.
Protein change: p.Glu908Lys; replaces glutamic acid 908 with lysine.
Molecular consequence: missense variant.
Genome position (GRCh38, 1-based): chr17:63,951,555, C>T on the plus strand (G>A on the coding strand, the complement: SCN4A is on the minus strand). VCF-style: chr17-63951555-C-T. GRCh37 (hg19) VCF-style: chr17-62028915-C-T.
Other names: short protein forms E908K.
Identifiers: ClinVar variation 255847 (VCV000255847.25), dbSNP rs117664682, ClinGen allele CA8709512.

ClinVar aggregate classification (germline): Benign/Likely benign. Review status: criteria provided, multiple submitters, no conflicts (2 of 4 stars). 12 submissions from 8 submitters: Benign (10); Likely benign (2). Last evaluated 2026-02-01.

Conditions:
Hypokalemic periodic paralysis, type 2 (HOKPP2). Identifiers: Orphanet 681, MedGen C2750061, MONDO:0013234, OMIM 613345.
Congenital myasthenic syndrome 16. Identifiers: Orphanet 590, MedGen C3280112, MONDO:0013620, OMIM 614198.
Paramyotonia congenita of Von Eulenburg. Also called: Paramyotonia Congenita; Eulenburg disease; Myotonia congenita intermittens; Von Eulenburg paramyotonia congenita; PARALYSIS PERIODICA PARAMYOTONICA. Identifiers: Orphanet 684, MedGen C0221055, MONDO:0008195, OMIM 168300. Disease mechanism: loss of function.
Hyperkalemic periodic paralysis. Also called: Familial hyperkalemic periodic paralysis; Gamstorp disease. Identifiers: Orphanet 682, MedGen C0238357, MONDO:0008224, OMIM 170500, HP:0007215.
Potassium-aggravated myotonia. Also called: SODIUM CHANNEL MUSCLE DISEASE; MYOTONIA CONGENITA, ACETAZOLAMIDE-RESPONSIVE; MYOTONIA CONGENITA, ATYPICAL; Myotonia congenita, atypical, acetazolamide-responsive. Identifiers: Orphanet 612, Orphanet 99734, Orphanet 99735, Orphanet 99736, MedGen C2931826, MONDO:0018959, OMIM 608390.

Allele frequency attached by ClinVar (database versions not stated): gnomAD 0.00224 and 0.00186; TOPMed 0.00343; gnomAD exomes 0.00629; 1000 Genomes Project 0.00779; 1000 Genomes Project 30x 0.00828; ESP Exome Variant Server 0.00016; ExAC 0.00519.
gnomAD v4.1: 2,515 of 1,613,898 alleles (0.16%); highest among the groups gnomAD compares: Admixed American, 2.5%; 27 homozygotes.

Submissions (12):

Labcorp Genetics (formerly Invitae), Labcorp
Classification: Benign for Hyperkalemic periodic paralysis. Last evaluated: 2026-02-01. Review status: criteria provided, single submitter. Criteria: Invitae Variant Classification Sherloc (09022015). Collection method: clinical testing. Allele origin: germline.

Athena Diagnostics
Classification: Benign. Last evaluated: 2019-05-08. Review status: criteria provided, single submitter. Criteria: Athena Diagnostics Criteria. Collection method: clinical testing. Allele origin: germline.

Illumina Laboratory Services, Illumina
Classification: Benign for Hyperkalemic periodic paralysis. Last evaluated: 2018-01-13. Review status: criteria provided, single submitter. Criteria: ICSL Variant Classification Criteria 13 December 2019. Collection method: clinical testing. Allele origin: germline.
Comment: This variant was observed in the ICSL laboratory as part of a predisposition screen in an ostensibly healthy population. It had not been previously curated by ICSL or reported in the Human Gene Mutation Database (HGMD: prior to June 1st, 2018), and was therefore a candidate for classification through an automated scoring system. Utilizing variant allele frequency, disease prevalence and penetrance estimates, and inheritance mode, an automated score was calculated to assess if this variant is too frequent to cause the disease. Based on the score and internal cut-off values, a variant classified as benign is not then subjected to further curation. The score for this variant resulted in a classification of benign for this disease.

Illumina Laboratory Services, Illumina
Classification: Benign for Potassium-aggravated myotonia. Last evaluated: 2018-01-13. Review status: criteria provided, single submitter. Criteria: ICSL Variant Classification Criteria 13 December 2019. Collection method: clinical testing. Allele origin: germline.
Comment: the same text as in the submission from Illumina Laboratory Services, Illumina above.

Illumina Laboratory Services, Illumina
Classification: Benign for Congenital myasthenic syndrome 16. Last evaluated: 2018-01-13. Review status: criteria provided, single submitter. Criteria: ICSL Variant Classification Criteria 13 December 2019. Collection method: clinical testing. Allele origin: germline.
Comment: the same text as in the submission from Illumina Laboratory Services, Illumina above.

Illumina Laboratory Services, Illumina
Classification: Benign for Paramyotonia congenita of Von Eulenburg. Last evaluated: 2018-01-13. Review status: criteria provided, single submitter. Criteria: ICSL Variant Classification Criteria 13 December 2019. Collection method: clinical testing. Allele origin: germline.
Comment: the same text as in the submission from Illumina Laboratory Services, Illumina above.

Illumina Laboratory Services, Illumina
Classification: Benign for Hypokalemic periodic paralysis, type 2. Last evaluated: 2018-01-13. Review status: criteria provided, single submitter. Criteria: ICSL Variant Classification Criteria 13 December 2019. Collection method: clinical testing. Allele origin: germline.
Comment: the same text as in the submission from Illumina Laboratory Services, Illumina above.

GeneDx
Classification: Benign. Last evaluated: 2017-03-27. Review status: criteria provided, single submitter. Criteria: GeneDx Variant Classification (06012015). Collection method: clinical testing. Allele origin: germline. Affected: yes.
Comment: This variant is considered likely benign or benign based on one or more of the following criteria: it is a conservative change, it occurs at a poorly conserved position in the protein, it is predicted to be benign by multiple in silico algorithms, and/or has population frequency not consistent with disease.

Center for Pediatric Genomic Medicine, Children's Mercy Hospital and Clinics
Classification: Benign. Last evaluated: 2016-11-07. Review status: criteria provided, single submitter. Criteria: ACMG Guidelines, 2015. Collection method: clinical testing. Allele origin: germline.

Eurofins Ntd Llc (ga)
Classification: Benign. Last evaluated: 2015-12-09. Review status: criteria provided, single submitter. Criteria: EGL Classification Definitions 2015. Collection method: clinical testing. Allele origin: germline. Observed: 1 variant allele, 1 heterozygote.

Breakthrough Genomics
Classification: Likely benign. Review status: criteria provided, single submitter. Criteria: ACMG Guidelines, 2015. Collection method: not provided. Allele origin: germline. Inheritance: Autosomal recessive inheritance. Affected: yes.

PreventionGenetics, part of Exact Sciences
Classification: Likely benign. Review status: criteria provided, single submitter. Criteria: ACMG Guidelines, 2015. Collection method: clinical testing. Allele origin: germline.